The following is an entry in ClinVar:

ClinVar aggregate classification (germline): Uncertain significance (1 of 4 stars; one submission).

Conditions:
Charcot-Marie-Tooth disease type 4. Also called: Charcot-Marie-Tooth, Type 4; Charcot-Marie-Tooth disease, type IV. Identifiers: Orphanet 64749, MedGen C4082197, MONDO:0018995.

Allele frequency attached by ClinVar (database versions not stated): gnomAD 0.00001; gnomAD exomes 0.00001; ESP Exome Variant Server 0.00008.
gnomAD v4.1: 4 of 1,613,938 alleles (0.00025%); highest among the groups gnomAD compares: South Asian, 0.0011%; no homozygotes.

Submission:

Labcorp Genetics (formerly Invitae), Labcorp
Classification: Uncertain significance for Charcot-Marie-Tooth disease type 4. Last evaluated: 2021-09-01. Review status: criteria provided, single submitter. Criteria: Invitae Variant Classification Sherloc (09022015). Collection method: clinical testing. Allele origin: germline.
Comment: This sequence change replaces arginine with glutamine at codon 283 of the MTMR2 protein (p.Arg283Gln). The arginine residue is highly conserved and there is a small physicochemical difference between arginine and glutamine. This variant is not present in population databases (ExAC no frequency). This variant has not been reported in the literature in individuals affected with MTMR2-related conditions. Algorithms developed to predict the effect of missense changes on protein structure and function (SIFT, PolyPhen-2, Align-GVGD) all suggest that this variant is likely to be disruptive. In summary, the available evidence is currently insufficient to determine the role of this variant in disease. Therefore, it has been classified as a Variant of Uncertain Significance.

NM_016156.6(MTMR2):c.848G>A (p.Arg283Gln)

Gene: MTMR2 (myotubularin related protein 2; minus strand). Cytogenetic location: 11q21.
Variant type: single nucleotide variant.
Coding change: c.848G>A on transcript NM_016156.6 (MANE Select); coding-DNA position 848, G replaced by A.
Protein change: p.Arg283Gln; replaces arginine 283 with glutamine.
Molecular consequence: missense variant.
Genome position (GRCh38, 1-based): chr11:95,849,819, C>T on the plus strand (G>A on the coding strand, the complement: MTMR2 is on the minus strand). VCF-style: chr11-95849819-C-T. GRCh37 (hg19) VCF-style: chr11-95582983-C-T.
Other names: c.632G>A, p.Arg211Gln (NM_001243571.2, NM_201278.3, NM_201281.3); short protein forms R211Q, R283Q.
Identifiers: ClinVar variation 1063050 (VCV001063050.6), dbSNP rs374629187, ClinGen allele CA226602175.